The following is an entry in ClinVar:

ClinVar aggregate classification (germline): Benign. Review status: criteria provided, single submitter (1 of 4 stars). 2 submissions from 2 submitters: Benign (1). 1 of the submissions does not count toward it. Last evaluated 2025-12-24.

Conditions:
NECTIN1-related disorder. Also called: NECTIN1-related condition.

Submissions (2):

Labcorp Genetics (formerly Invitae), Labcorp
Classification: Benign. Last evaluated: 2025-12-24. Review status: criteria provided, single submitter. Criteria: Invitae Variant Classification Sherloc (09022015). Collection method: clinical testing. Allele origin: germline.

PreventionGenetics, part of Exact Sciences
Classification: Benign for NECTIN1-related condition. Last evaluated: 2019-04-30. Review status: no assertion criteria provided. Collection method: clinical testing. Allele origin: germline. Not counted in ClinVar's aggregate classification.
Comment: This variant is classified as benign based on ACMG/AMP sequence variant interpretation guidelines (Richards et al. 2015 PMID: 25741868, with internal and published modifications).

NM_002855.5(NECTIN1):c.1310AGG[10] (p.Glu443_Glu444dup)

Gene: NECTIN1 (nectin cell adhesion molecule 1; minus strand). Cytogenetic location: 11q23.3.
Variant type: Microsatellite.
Coding change: c.1310AGG[10] on transcript NM_002855.5 (MANE Select); ten copies in a row of the 3-base unit AGG starting at c.1310; the reference has eight copies in a row; two copies, 6 bases duplicated.
Protein change: p.Glu443_Glu444dup.
Molecular consequence: inframe insertion. On other transcripts: intron variant (1).
Genome position (GRCh38, 1-based): chr11:119,664,968-119,664,973, CCTCCT duplicated on the plus strand (AGGAGG on the coding strand, the reverse complement: NECTIN1 is on the minus strand); duplicating any 6 consecutive bases within chr11:119,664,968-119,664,992 gives the same sequence; the position shown is the placement nearest the transcript's 3' end. VCF-style (leftmost placement, unchanged base first): chr11-119664967-C-CCCTCCT. GRCh37 (hg19) VCF-style: chr11-119535677-C-CCCTCCT.
Other names: c.1003+10168AGG[10] (NM_203285.2); c.1328_1333dup6 (NM_002855.4).
Identifiers: ClinVar variation 779437 (VCV000779437.11), dbSNP rs137909701, ClinGen allele CA6321811.